The following is an entry in ClinVar:

ClinVar aggregate classification (germline): Likely benign (1 of 4 stars; one submission).

Conditions:
Hereditary breast ovarian cancer syndrome. Also called: Breast and ovarian cancer; Hereditary breast and/or ovarian cancer syndrome; BRCA1- and BRCA2-Associated Hereditary Breast and Ovarian Cancer; Hereditary breast and ovarian cancer syndrome; Hereditary breast and ovarian cancer syndrome (HBOC); Hereditary breast and ovarian cancer. Identifiers: Orphanet 145, MedGen C0677776, MeSH D061325, MONDO:0003582. Disease mechanism: loss of function.

Allele frequency attached by ClinVar (database versions not stated): TOPMed below 0.00001; gnomAD 0.00001.
gnomAD v4.1: 3 of 1,613,704 alleles (0.00019%); highest among the groups gnomAD compares: Non-Finnish European, 0.00025%; no homozygotes.

Submissions (2):

Labcorp Genetics (formerly Invitae), Labcorp
Classification: Likely benign for Hereditary breast ovarian cancer syndrome. Last evaluated: 2019-11-28. Review status: criteria provided, single submitter. Criteria: Invitae Variant Classification Sherloc (09022015). Collection method: clinical testing. Allele origin: germline.

Brotman Baty Institute, University of Washington
No classification provided (evidence only). Condition: Breast-ovarian cancer, familial 1. Review status: no classification provided. Collection method: in vitro. Allele origin: not applicable. Functional consequence: functionally_normal. Not counted in ClinVar's aggregate classification.
ClinVar note: "not provided" was previously submitted as the classification for the variant. However, the classification appeared to be based only on an observation of functional data so it was converted to no classification on 2025-07-30.

NM_007294.4(BRCA1):c.5277+9C>G

Gene: BRCA1 (BRCA1 DNA repair associated; minus strand). Cytogenetic location: 17q21.31.
Variant type: single nucleotide variant.
Coding change: c.5277+9C>G on transcript NM_007294.4 (MANE Select); 9 bases into the intron after coding-DNA position 5277, C replaced by G.
Molecular consequence: intron variant.
Genome position (GRCh38, 1-based): chr17:43,057,043, G>C on the plus strand (C>G on the coding strand, the complement: BRCA1 is on the minus strand). VCF-style: chr17-43057043-G-C. GRCh37 (hg19) VCF-style: chr17-41209060-G-C.
Other names: c.1824+9C>G (NM_001408458.1, NM_001408461.1, NM_001408464.1 and 7 more transcripts); c.4386+9C>G (NM_001407967.1); c.4896+9C>G (NM_001407959.1); c.5010+9C>G (NM_001407931.1, NM_001407932.1, NM_001407928.1 and 4 more transcripts); c.5133+9C>G (NM_001407747.1, NM_001407745.1, NM_001407737.1 and 21 more transcripts); c.4893+9C>G (NM_001407962.1, NM_001407960.1); c.1464+9C>G (NM_001408512.1); c.1587+9C>G (NM_001408510.1); and 72 more.
Identifiers: ClinVar variation 531466 (VCV000531466.13), dbSNP rs1356169081, ClinGen allele CA658798059.